The following is an entry in ClinVar:

NM_000059.4(BRCA2):c.9839del (p.Pro3280fs)

Gene: BRCA2 (BRCA2 DNA repair associated; plus strand). Cytogenetic location: 13q13.1.
Variant type: Deletion.
Coding change: c.9839del on transcript NM_000059.4 (MANE Select); coding-DNA position 9839, one base deleted (C; older notation c.9839delC).
Protein change: p.Pro3280fs; shifts the reading frame from proline 3280.
Molecular consequence: frameshift variant. On other transcripts: non-coding transcript variant (1).
Genome position (GRCh38, 1-based): chr13:32,398,352, C deleted; the last of 2 consecutive C bases (chr13:32,398,351-32,398,352); deleting either gives the same sequence. VCF-style (leftmost placement, unchanged base first): chr13-32398350-AC-A. GRCh37 (hg19) VCF-style: chr13-32972487-AC-A.
Other names: c.9743del, p.Pro3248fs (NM_001406719.1); c.9788del, p.Pro3263fs (NM_001406720.1); c.4907del, p.Pro1636fs (NM_001406721.1); c.3422del, p.Pro1141fs (NM_001406722.1); c.9839del, p.Pro3280fs (NM_001432077.1); short protein forms P1141fs, P3248fs, P3280fs, P3263fs, P1636fs.
Identifiers: ClinVar variation 3825474 (VCV003825474.1).

ClinVar aggregate classification (germline): Uncertain significance (1 of 4 stars; one submission).

Conditions:
Hereditary cancer-predisposing syndrome. Also called: Hereditary neoplastic syndrome; Neoplastic Syndromes, Hereditary; Tumor predisposition; Hereditary Cancer Syndrome. Identifiers: Orphanet 140162, MedGen C0027672, MeSH D009386, MONDO:0015356.

Submission:

Ambry Genetics
Classification: Uncertain significance for Hereditary cancer-predisposing syndrome. Last evaluated: 2025-02-26. Review status: criteria provided, single submitter. Criteria: Ambry Variant Classification Scheme 2023. Collection method: clinical testing. Allele origin: germline.
Comment: The c.9839delC variant, located in coding exon 26 of the BRCA2 gene, results from a deletion of one nucleotide at nucleotide position 9839, causing a translational frameshift with a predicted alternate stop codon (p.P3280Lfs*33). This alteration occurs at the 3' terminus of theBRCA2 gene, is not expected to trigger nonsense-mediated mRNAdecay, and impacts the last 4% of the protein. The exact functional effect of this alteration is unknown. Based on the available evidence, the clinical significance of this variant remains unclear.